The following is an entry in ClinVar:

NM_003718.5(CDK13):c.25C>G (p.Leu9Val)

Gene: CDK13 (cyclin dependent kinase 13; plus strand). Cytogenetic location: 7p14.1.
Variant type: single nucleotide variant.
Coding change: c.25C>G on transcript NM_003718.5 (MANE Select); coding-DNA position 25, C replaced by G.
Protein change: p.Leu9Val; replaces leucine 9 with valine.
Molecular consequence: missense variant.
Genome position (GRCh38, 1-based): chr7:39,950,666, C>G. VCF-style: chr7-39950666-C-G. GRCh37 (hg19) VCF-style: chr7-39990265-C-G.
Other names: c.25C>G, p.Leu9Val (NM_031267.4); short protein forms L9V.
Identifiers: ClinVar variation 4996785 (VCV004996785.1).
Genomic context (GRCh38, chr7:39,950,666, plus strand): 5'-CGCACCCGCGCCGCGCTCTGCGGCTGGCTCTAGGCGATGCCGAGCAGCTCGGACACGGCG[C>G]TGGGGGGAGGCGGGGGCCTGAGCTGGGCGGAGAAGAAGTTGGAGGAACGCCGCAAGCGGA-3'
Protein context (NP_003709.3, residues 1-19): MPSSSDTA[Leu9Val]GGGGGLSWAE

ClinVar aggregate classification (germline): Uncertain significance (1 of 4 stars; one submission).

Conditions:
CDK13-related disorder. Also called: CDK13-related condition. Identifiers: MedGen C5816700.

gnomAD v4.1: 1 of 1,376,144 alleles (0.000073%); highest among the groups gnomAD compares: Non-Finnish European, 0.000094%; no homozygotes.

Submission:

PreventionGenetics, part of Exact Sciences
Classification: Uncertain significance for CDK13-related condition. Last evaluated: 2025-01-17. Review status: criteria provided, single submitter. Criteria: ACMG Guidelines, 2015. Collection method: clinical testing. Allele origin: germline.
Comment: The CDK13 c.25C>G variant is predicted to result in the amino acid substitution p.Leu9Val. To our knowledge, this variant has not been reported in the literature or in a large population database (gnomAD), indicating this variant is rare. At this time, the clinical significance of this variant is uncertain due to the absence of conclusive functional and genetic evidence.